The following is an entry in ClinVar:

NM_001999.4(FBN2):c.2365G>A (p.Gly789Ser)

Gene: FBN2 (fibrillin 2; minus strand). Cytogenetic location: 5q23.3.
Variant type: single nucleotide variant.
Coding change: c.2365G>A on transcript NM_001999.4 (MANE Select); coding-DNA position 2365, G replaced by A.
Protein change: p.Gly789Ser; replaces glycine 789 with serine.
Molecular consequence: missense variant.
Genome position (GRCh38, 1-based): chr5:128,364,663, C>T on the plus strand (G>A on the coding strand, the complement: FBN2 is on the minus strand). VCF-style: chr5-128364663-C-T. GRCh37 (hg19) VCF-style: chr5-127700356-C-T.
Other names: short protein forms G789S.
Identifiers: ClinVar variation 263906 (VCV000263906.6), dbSNP rs886038969, ClinGen allele CA10587615.

ClinVar aggregate classification (germline): Uncertain significance. Review status: criteria provided, multiple submitters, no conflicts (2 of 4 stars). 2 submissions from 2 submitters: Uncertain significance (2). Last evaluated 2024-02-19.

Conditions:
Familial thoracic aortic aneurysm and aortic dissection (TAAD). Also called: Thoracic aortic aneurysms and dissections. Identifiers: Orphanet 91387, MedGen C4707243, MONDO:0019625.

Submissions (2):

Blueprint Genetics
Classification: Uncertain significance. Last evaluated: 2024-02-19. Review status: criteria provided, single submitter. Criteria: ACMG Guidelines, 2015. Collection method: clinical testing. Allele origin: germline.

Ambry Genetics
Classification: Uncertain significance for Familial thoracic aortic aneurysm and aortic dissection. Last evaluated: 2015-03-02. Review status: criteria provided, single submitter. Criteria: Ambry Variant Classification Scheme 2023. Collection method: clinical testing. Allele origin: germline.
Comment: The p.G789S variant (also known as c.2365G>A), located in coding exon 18 of the FBN2 gene, results from a G to A substitution at nucleotide position 2365. The glycine at codon 789 is replaced by serine, an amino acid with some similar properties, and is located in the cb EGF-like #08 domain. This variant was not reported in population based cohorts in the following databases: Database of Single Nucleotide Polymorphisms (dbSNP), NHLBI Exome Sequencing Project (ESP), and 1000 Genomes Project. In the ESP, this variant was not observed in 6,503 samples (13,006 alleles) with coverage at this position. This amino acid position is well conserved in available vertebrate species. In addition, this alteration is predicted to be deleterious by in silico analysis. Since supporting evidence is limited at this time, the clinical significance of this variant remains unclear.